The following is an entry in ClinVar:

ClinVar aggregate classification (germline): Uncertain significance. Review status: criteria provided, multiple submitters, no conflicts (2 of 4 stars). 2 submissions from 2 submitters: Uncertain significance (2). Last evaluated 2025-08-11.

Conditions:
Brody myopathy. Also called: BRODY DISEASE. Identifiers: Orphanet 53347, MedGen C1832918, MONDO:0010977, OMIM 601003.
Inborn genetic diseases. Identifiers: MedGen C0950123, MeSH D030342.

Allele frequency attached by ClinVar (database versions not stated): ExAC 0.00001; gnomAD 0.00001; gnomAD exomes 0.00001; TOPMed 0.00001.
gnomAD v4.1: 41 of 1,614,010 alleles (0.0025%); highest among the groups gnomAD compares: Non-Finnish European, 0.0032%; no homozygotes.

Submissions (2):

Ambry Genetics
Classification: Uncertain significance for Inborn genetic diseases. Last evaluated: 2025-08-11. Review status: criteria provided, single submitter. Criteria: Ambry Variant Classification Scheme 2023. Collection method: clinical testing. Allele origin: germline.

Labcorp Genetics (formerly Invitae), Labcorp
Classification: Uncertain significance for Brody myopathy. Last evaluated: 2021-09-01. Review status: criteria provided, single submitter. Criteria: Invitae Variant Classification Sherloc (09022015). Collection method: clinical testing. Allele origin: germline.
Comment: This sequence change replaces isoleucine with valine at codon 94 of the ATP2A1 protein (p.Ile94Val). The isoleucine residue is moderately conserved and there is a small physicochemical difference between isoleucine and valine. This variant is present in population databases (rs750741201, ExAC 0.001%). This variant has not been reported in the literature in individuals affected with ATP2A1-related conditions. Algorithms developed to predict the effect of missense changes on protein structure and function are either unavailable or do not agree on the potential impact of this missense change (SIFT: "Deleterious"; PolyPhen-2: "Probably Damaging"; Align-GVGD: "Class C0"). In summary, the available evidence is currently insufficient to determine the role of this variant in disease. Therefore, it has been classified as a Variant of Uncertain Significance.

NM_004320.6(ATP2A1):c.280A>G (p.Ile94Val)

Gene: ATP2A1 (ATPase sarcoplasmic/endoplasmic reticulum Ca2+ transporting 1; plus strand). Cytogenetic location: 16p11.2.
Variant type: single nucleotide variant.
Coding change: c.280A>G on transcript NM_004320.6 (MANE Select); coding-DNA position 280, A replaced by G.
Protein change: p.Ile94Val; replaces isoleucine 94 with valine.
Molecular consequence: missense variant. On other transcripts: 5 prime UTR variant (1).
Genome position (GRCh38, 1-based): chr16:28,880,975, A>G. VCF-style: chr16-28880975-A-G. GRCh37 (hg19) VCF-style: chr16-28892296-A-G.
Other names: c.-96A>G (NM_001286075.2); c.280A>G, p.Ile94Val (NM_173201.5); c.280A>G (NM_173201.3); short protein forms I94V.
Identifiers: ClinVar variation 1044309 (VCV001044309.7), dbSNP rs750741201, ClinGen allele CA7986593.
Genomic context (GRCh38, chr16:28,880,975, plus strand): 5'-GTGCTGGCCTGGTTTGAGGAAGGTGAAGAGACCATCACTGCCTTTGTTGAACCCTTTGTC[A>G]TCCTCTTGATCCTCATTGCCAATGCCATCGTGGGGGTTTGGCAGGTTAGCGTTGACCCTT-3'
Protein context (NP_004311.1, residues 84-104): TITAFVEPFV[Ile94Val]LLILIANAIV